The following is an entry in ClinVar:

ClinVar aggregate classification (germline): Pathogenic. Review status: criteria provided, multiple submitters, no conflicts (2 of 4 stars). 5 submissions from 5 submitters: Pathogenic (3). 2 of the submissions do not count toward it. Last evaluated 2023-03-30.

Conditions:
Stuve-Wiedemann syndrome (STWS). Also called: Stüve-Wiedemann syndrome. Identifiers: Orphanet 3206, MedGen C0796176, MONDO:0031280.
Stuve-Wiedemann syndrome 2. Also called: Stüve-Wiedemann syndrome 2. Identifiers: MedGen C5676919, MONDO:0030756, OMIM 619751.

Submissions (5):

Clinical Genetics Laboratory, Skane University Hospital Lund
Classification: Pathogenic. Last evaluated: 2023-03-30. Review status: criteria provided, single submitter. Criteria: ACMG Guidelines, 2015. Collection method: clinical testing. Allele origin: germline. Affected: yes.

GeneDx
Classification: Pathogenic. Last evaluated: 2022-01-18. Review status: criteria provided, single submitter. Criteria: GeneDx Variant Classification Process June 2021. Collection method: clinical testing. Allele origin: germline. Affected: yes.
Comment: Nonsense variant predicted to result in protein truncation or nonsense mediated decay in a gene for which loss-of-function is not a known mechanism of disease; Functional studies demonstrate a damaging effect on GP130-dependant activation of STAT3 (Chen et al., 2020); Not observed at significant frequency in large population cohorts (gnomAD); This variant is associated with the following publications: (PMID: 31130284, 33726816, 31914175)

Clinical Genetics and Genomics, Karolinska University Hospital
Classification: Pathogenic. Last evaluated: 2018-10-24. Review status: criteria provided, single submitter. Criteria: ACMG Guidelines, 2015. Collection method: clinical testing. Allele origin: germline. Affected: yes. Observed: 1 variant allele.

OMIM
Classification: Pathogenic for STUVE-WIEDEMANN SYNDROME 2. Last evaluated: 2022-02-16. Review status: no assertion criteria provided. Collection method: literature only. Allele origin: germline. Not counted in ClinVar's aggregate classification.

Rare Disease Group, Clinical Genetics, Karolinska Institutet
Classification: Pathogenic for Stüve-Wiedemann syndrome 1. Last evaluated: 2019-06-24. Review status: no assertion criteria provided. Collection method: clinical testing. Allele origin: inherited. Inheritance: Autosomal recessive inheritance. Affected: yes. Observed: 1 homozygote. Not counted in ClinVar's aggregate classification.
Comment: This homozygous nonsense variant was found in two siblings. Functional studies shows that this Arg281* variant disrupts normal protein function. In summary, the Arg281* variant meets our criteria to be classified as pathogenic.

Literature cited by the submitters: PubMed 31914175 (cited by OMIM).

NM_002184.4(IL6ST):c.841C>T (p.Arg281Ter)

Gene: IL6ST (interleukin 6 cytokine family signal transducer; minus strand). Cytogenetic location: 5q11.2.
Variant type: single nucleotide variant.
Coding change: c.841C>T on transcript NM_002184.4 (MANE Select); coding-DNA position 841, C replaced by T.
Protein change: p.Arg281Ter; replaces arginine 281 with a stop codon.
Molecular consequence: nonsense. On other transcripts: 5 prime UTR variant (3), non-coding transcript variant (2).
Genome position (GRCh38, 1-based): chr5:55,960,534, G>A on the plus strand (C>T on the coding strand, the complement: IL6ST is on the minus strand). VCF-style: chr5-55960534-G-A. GRCh37 (hg19) VCF-style: chr5-55256362-G-A.
Other names: GP130; c.841C>T, p.Arg281Ter (NM_175767.3, NM_001190981.2, NM_001364275.2); c.631C>T, p.Arg211Ter (NM_001364276.2); c.-73C>T (NM_001364277.2, NM_001364279.2); c.-63C>T (NM_001364278.2); short protein forms R281*, R211*.
Identifiers: ClinVar variation 635407 (VCV000635407.9), dbSNP rs1580817729, ClinGen allele CA359765614.